The following is an entry in ClinVar:

NM_000083.3(CLCN1):c.844C>G (p.Pro282Ala)

Gene: CLCN1 (chloride voltage-gated channel 1; plus strand). Cytogenetic location: 7q34.
Variant type: single nucleotide variant.
Coding change: c.844C>G on transcript NM_000083.3 (MANE Select); coding-DNA position 844, C replaced by G.
Protein change: p.Pro282Ala; replaces proline 282 with alanine.
Molecular consequence: missense variant. On other transcripts: non-coding transcript variant (1).
Genome position (GRCh38, 1-based): chr7:143,324,483, C>G. VCF-style: chr7-143324483-C-G. GRCh37 (hg19) VCF-style: chr7-143021576-C-G.
Other names: short protein forms P282A.
Identifiers: ClinVar variation 652041 (VCV000652041.10), dbSNP rs1586489432, ClinGen allele CA369687607.
Genomic context (GRCh38, chr7:143,324,483, plus strand): 5'-TACTACTCTGATATCCTGACGGTGGGCTGTGCTGTGGGAGTCGGCTGTTGTTTTGGGACA[C>G]CACTTGGAGGCAAGTGATTGACCCCCTCCCCCATCAATCGGCTTGCCTGGCCTGGCTCCC-3'
Protein context (NP_000074.3, residues 272-292): AVGVGCCFGT[Pro282Ala]LGGVLFSIEV

ClinVar aggregate classification (germline): Uncertain significance (1 of 4 stars; one submission).

Conditions:
Congenital myotonia, autosomal dominant form (THD). Also called: THOMSEN DISEASE; Myotonia congenita autosomal dominant. Identifiers: Orphanet 614, MedGen C2936781, MONDO:0008055, OMIM 160800.
Congenital myotonia, autosomal recessive form. Also called: BECKER DISEASE; Becker Generalized Myotonia; myotonia congenita, autosomal recessive. Identifiers: Orphanet 614, MedGen C0751360, MONDO:0009715, OMIM 255700.

Allele frequency attached by ClinVar (database versions not stated): gnomAD exomes below 0.00001; TOPMed below 0.00001.
gnomAD v4.1: 1 of 1,613,316 alleles (0.000062%); highest among the groups gnomAD compares: Admixed American, 0.0017%; no homozygotes.

Submission:

Labcorp Genetics (formerly Invitae), Labcorp
Classification: Uncertain significance for Congenital myotonia, autosomal recessive form; Congenital myotonia, autosomal dominant form. Last evaluated: 2025-12-14. Review status: criteria provided, single submitter. Criteria: Invitae Variant Classification Sherloc (09022015). Collection method: clinical testing. Allele origin: germline.
Comment: This sequence change replaces proline, which is neutral and non-polar, with alanine, which is neutral and non-polar, at codon 282 of the CLCN1 protein (p.Pro282Ala). This variant is not present in population databases (gnomAD no frequency). This missense change has been observed in individual(s) with clinical features of myotonia congenita (internal data). ClinVar contains an entry for this variant (Variation ID: 652041). Invitae Evidence Modeling of protein sequence and biophysical properties (such as structural, functional, and spatial information, amino acid conservation, physicochemical variation, residue mobility, and thermodynamic stability) indicates that this missense variant is expected to disrupt CLCN1 protein function with a positive predictive value of 95%. This variant disrupts the p.Pro282 amino acid residue in CLCN1. Other variant(s) that disrupt this residue have been observed in individuals with CLCN1-related conditions (PMID: 23739125), which suggests that this may be a clinically significant amino acid residue. In summary, the available evidence is currently insufficient to determine the role of this variant in disease. Therefore, it has been classified as a Variant of Uncertain Significance.

Literature cited by the submitters: PubMed 23739125.